The following is an entry in ClinVar:

ClinVar aggregate classification (germline): Uncertain significance. Review status: criteria provided, multiple submitters, no conflicts (2 of 4 stars). 2 submissions from 2 submitters: Uncertain significance (2). Last evaluated 2025-07-03.

Conditions:
Neurofibromatosis, type 1 (NF1). Also called: Peripheral type neurofibromatosis; VON RECKLINGHAUSEN DISEASE; NEUROFIBROMATOSIS, TYPE I, SOMATIC; Neurofibromatosis, type I. Identifiers: Orphanet 636, MedGen C0027831, MONDO:0018975, OMIM 162200. Disease mechanism: loss of function.
Cardiovascular phenotype. Identifiers: MedGen CN230736.
Hereditary cancer-predisposing syndrome. Also called: Hereditary neoplastic syndrome; Tumor predisposition; Neoplastic Syndromes, Hereditary; Hereditary Cancer Syndrome. Identifiers: Orphanet 140162, MedGen C0027672, MeSH D009386, MONDO:0015356.

Submissions (2):

Ambry Genetics
Classification: Uncertain significance for Cardiovascular phenotype; Hereditary cancer-predisposing syndrome. Last evaluated: 2025-07-03. Review status: criteria provided, single submitter. Criteria: Ambry Variant Classification Scheme 2023. Collection method: clinical testing. Allele origin: germline.
Comment: The p.G57V variant (also known as c.170G>T), located in coding exon 2 of the NF1 gene, results from a G to T substitution at nucleotide position 170. The glycine at codon 57 is replaced by valine, an amino acid with dissimilar properties. This amino acid position is conserved. In addition, this alteration is predicted to be deleterious by in silico analysis. Based on the available evidence, the clinical significance of this variant remains unclear.

Labcorp Genetics (formerly Invitae), Labcorp
Classification: Uncertain significance for Neurofibromatosis, type 1. Last evaluated: 2022-09-24. Review status: criteria provided, single submitter. Criteria: Invitae Variant Classification Sherloc (09022015). Collection method: clinical testing. Allele origin: germline.
Comment: This sequence change replaces glycine, which is neutral and non-polar, with valine, which is neutral and non-polar, at codon 57 of the NF1 protein (p.Gly57Val). This variant is not present in population databases (gnomAD no frequency). This variant has not been reported in the literature in individuals affected with NF1-related conditions. Advanced modeling of protein sequence and biophysical properties (such as structural, functional, and spatial information, amino acid conservation, physicochemical variation, residue mobility, and thermodynamic stability) performed at Invitae indicates that this missense variant is expected to disrupt NF1 protein function. In summary, the available evidence is currently insufficient to determine the role of this variant in disease. Therefore, it has been classified as a Variant of Uncertain Significance.

NM_001042492.3(NF1):c.170G>T (p.Gly57Val)

Gene: NF1 (neurofibromin 1; plus strand). Cytogenetic location: 17q11.2.
Variant type: single nucleotide variant.
Coding change: c.170G>T on transcript NM_001042492.3 (MANE Select); coding-DNA position 170, G replaced by T.
Protein change: p.Gly57Val; replaces glycine 57 with valine.
Molecular consequence: missense variant.
Genome position (GRCh38, 1-based): chr17:31,156,092, G>T. VCF-style: chr17-31156092-G-T. GRCh37 (hg19) VCF-style: chr17-29483110-G-T.
Other names: c.170G>T, p.Gly57Val (NM_000267.4, NM_001128147.3); short protein forms G57V.
Identifiers: ClinVar variation 1720314 (VCV001720314.6), dbSNP rs1555604925, ClinGen allele CA398988617.